The following is an entry in ClinVar:

NM_001127222.2(CACNA1A):c.6199A>G (p.Met2067Val)

Gene: CACNA1A (calcium voltage-gated channel subunit alpha1 A; minus strand). Cytogenetic location: 19p13.13.
Variant type: single nucleotide variant.
Coding change: c.6199A>G on transcript NM_001127222.2 (MANE Select); coding-DNA position 6199, A replaced by G.
Protein change: p.Met2067Val; replaces methionine 2067 with valine.
Molecular consequence: missense variant.
Genome position (GRCh38, 1-based): chr19:13,212,207, T>C on the plus strand (A>G on the coding strand, the complement: CACNA1A is on the minus strand). VCF-style: chr19-13212207-T-C. GRCh37 (hg19) VCF-style: chr19-13323021-T-C.
Other names: c.6217A>G, p.Met2073Val (NM_000068.4, NM_023035.3); c.6202A>G, p.Met2068Val (NM_001127221.2); c.6208A>G, p.Met2070Val (NM_001174080.2); short protein forms M2067V, M2073V, M2068V, M2070V.
Identifiers: ClinVar variation 2044919 (VCV002044919.4), dbSNP rs2512534280, ClinGen allele CA404332508.

ClinVar aggregate classification (germline): Uncertain significance (1 of 4 stars; one submission).

Conditions:
Episodic ataxia type 2 (EA2). Also called: ATAXIA, EPISODIC, WITH NYSTAGMUS; ATAXIA, FAMILIAL PAROXYSMAL; CEREBELLAR ATAXIA, PAROXYSMAL, ACETAZOLAMIDE-RESPONSIVE; CEREBELLOPATHY, HEREDITARY PAROXYSMAL; ACETAZOLAMIDE-RESPONSIVE HEREDITARY PAROXYSMAL CEREBELLAR ATAXIA; EPISODIC ATAXIA, NYSTAGMUS-ASSOCIATED. Identifiers: Orphanet 97, MedGen C1720416, MONDO:0007163, OMIM 108500.
Developmental and epileptic encephalopathy, 42 (DEE42A). Also called: Epileptic encephalopathy, early infantile, 42; DEVELOPMENTAL AND EPILEPTIC ENCEPHALOPATHY 42A; EPILEPTIC ENCEPHALOPATHY, EARLY INFANTILE, 42A. Identifiers: MedGen C4310716, MONDO:0014917, OMIM 617106.

Submission:

Labcorp Genetics (formerly Invitae), Labcorp
Classification: Uncertain significance for Developmental and epileptic encephalopathy, 42; Episodic ataxia type 2. Last evaluated: 2021-12-17. Review status: criteria provided, single submitter. Criteria: Invitae Variant Classification Sherloc (09022015). Collection method: clinical testing. Allele origin: germline.
Comment: In summary, the available evidence is currently insufficient to determine the role of this variant in disease. Therefore, it has been classified as a Variant of Uncertain Significance. Algorithms developed to predict the effect of sequence changes on RNA splicing suggest that this variant may create or strengthen a splice site. Advanced modeling of protein sequence and biophysical properties (such as structural, functional, and spatial information, amino acid conservation, physicochemical variation, residue mobility, and thermodynamic stability) performed at Invitae indicates that this missense variant is not expected to disrupt CACNA1A protein function. This variant has not been reported in the literature in individuals affected with CACNA1A-related conditions. This variant is not present in population databases (gnomAD no frequency). This sequence change replaces methionine, which is neutral and non-polar, with valine, which is neutral and non-polar, at codon 2068 of the CACNA1A protein (p.Met2068Val).